The following is an entry in ClinVar:

ClinVar aggregate classification (germline): Uncertain significance. Review status: criteria provided, multiple submitters, no conflicts (2 of 4 stars). 2 submissions from 2 submitters: Uncertain significance (2). Last evaluated 2025-10-06.

Submissions (2):

Labcorp Genetics (formerly Invitae), Labcorp
Classification: Uncertain significance. Last evaluated: 2025-10-06. Review status: criteria provided, single submitter. Criteria: Invitae Variant Classification Sherloc (09022015). Collection method: clinical testing. Allele origin: germline.
Comment: This sequence change replaces alanine, which is neutral and non-polar, with serine, which is neutral and polar, at codon 546 of the PLXNA2 protein (p.Ala546Ser). This variant is not present in population databases (gnomAD no frequency). This variant has not been reported in the literature in individuals affected with PLXNA2-related conditions. ClinVar contains an entry for this variant (Variation ID: 3421137). Invitae Evidence Modeling of protein sequence and biophysical properties (such as structural, functional, and spatial information, amino acid conservation, physicochemical variation, residue mobility, and thermodynamic stability) indicates that this missense variant is not expected to disrupt PLXNA2 protein function with a negative predictive value of 80%. In summary, the available evidence is currently insufficient to determine the role of this variant in disease. Therefore, it has been classified as a Variant of Uncertain Significance.

Ambry Genetics
Classification: Uncertain significance. Last evaluated: 2024-10-17. Review status: criteria provided, single submitter. Criteria: Ambry Variant Classification Scheme 2023. Collection method: clinical testing. Allele origin: germline.

NM_025179.4(PLXNA2):c.1636G>T (p.Ala546Ser)

Gene: PLXNA2 (plexin A2; minus strand). Cytogenetic location: 1q32.2.
Variant type: single nucleotide variant.
Coding change: c.1636G>T on transcript NM_025179.4 (MANE Select); coding-DNA position 1636, G replaced by T.
Protein change: p.Ala546Ser; replaces alanine 546 with serine.
Molecular consequence: missense variant.
Genome position (GRCh38, 1-based): chr1:208,098,941, C>A on the plus strand (G>T on the coding strand, the complement: PLXNA2 is on the minus strand). VCF-style: chr1-208098941-C-A. GRCh37 (hg19) VCF-style: chr1-208272286-C-A.
Other names: short protein forms A546S.
Identifiers: ClinVar variation 3421137 (VCV003421137.3).